The following is an entry in ClinVar:

NM_152783.5(D2HGDH):c.1123G>T (p.Asp375Tyr)

Gene: D2HGDH (D-2-hydroxyglutarate dehydrogenase; plus strand). Cytogenetic location: 2q37.3.
Variant type: single nucleotide variant.
Coding change: c.1123G>T on transcript NM_152783.5 (MANE Select); coding-DNA position 1123, G replaced by T.
Protein change: p.Asp375Tyr; replaces aspartic acid 375 with tyrosine.
Molecular consequence: missense variant.
Genome position (GRCh38, 1-based): chr2:241,751,371, G>T. VCF-style: chr2-241751371-G-T. GRCh37 (hg19) VCF-style: chr2-242690786-G-T.
Other names: D2HGDH, ASP375TYR; c.721G>T, p.Asp241Tyr (NM_001287249.2); c.562G>T, p.Asp188Tyr (NM_001352824.2); short protein forms D375Y, D188Y, D241Y.
Identifiers: ClinVar variation 1858 (VCV000001858.6), dbSNP rs267606759, ClinGen allele CA115239.

ClinVar aggregate classification (germline): Uncertain significance. Review status: criteria provided, single submitter (1 of 4 stars). 2 submissions from 2 submitters: Uncertain significance (1). 1 of the submissions does not count toward it. Last evaluated 2022-08-23.

Conditions:
D-2-hydroxyglutaric aciduria 1 (D2HGA1). Identifiers: Orphanet 79315, MedGen C3152055, MONDO:0024554, OMIM 600721.

Allele frequency attached by ClinVar (database versions not stated): TOPMed 0.00007; ESP Exome Variant Server 0.00008.
gnomAD v4.1: 11 of 1,613,398 alleles (0.00068%); highest among the groups gnomAD compares: African/African-American, 0.011%; no homozygotes.

Submissions (2):

Labcorp Genetics (formerly Invitae), Labcorp
Classification: Uncertain significance for D-2-hydroxyglutaric aciduria 1. Last evaluated: 2022-08-23. Review status: criteria provided, single submitter. Criteria: Invitae Variant Classification Sherloc (09022015). Collection method: clinical testing. Allele origin: germline.
Comment: Experimental studies have shown that this missense change affects D2HGDH function (PMID: 30908763, 33431826). In summary, the available evidence is currently insufficient to determine the role of this variant in disease. Therefore, it has been classified as a Variant of Uncertain Significance. Algorithms developed to predict the effect of missense changes on protein structure and function are either unavailable or do not agree on the potential impact of this missense change (SIFT: "Deleterious"; PolyPhen-2: "Probably Damaging"; Align-GVGD: "Class C15"). ClinVar contains an entry for this variant (Variation ID: 1858). This missense change has been observed in individual(s) with D-2-hydroxyglutaric aciduria (PMID: 16081310). In at least one individual the data is consistent with being in trans (on the opposite chromosome) from a pathogenic variant. This variant is present in population databases (rs267606759, gnomAD 0.02%). This sequence change replaces aspartic acid, which is acidic and polar, with tyrosine, which is neutral and polar, at codon 375 of the D2HGDH protein (p.Asp375Tyr).

OMIM
Classification: Pathogenic for D-2-HYDROXYGLUTARIC ACIDURIA 1. Last evaluated: 2005-09-01. Review status: no assertion criteria provided. Collection method: literature only. Allele origin: germline. Not counted in ClinVar's aggregate classification.

Literature cited by the submitters: PubMed 30908763 (cited by Labcorp Genetics (formerly Invitae), Labcorp); PubMed 33431826 (cited by Labcorp Genetics (formerly Invitae), Labcorp); PubMed 16081310 (cited by Labcorp Genetics (formerly Invitae), Labcorp and OMIM).